The following is an entry in ClinVar:

NM_000168.6(GLI3):c.2806G>C (p.Ala936Pro)

Gene: GLI3 (GLI family zinc finger 3; minus strand). Cytogenetic location: 7p14.1.
Variant type: single nucleotide variant.
Coding change: c.2806G>C on transcript NM_000168.6 (MANE Select); coding-DNA position 2806, G replaced by C.
Protein change: p.Ala936Pro; replaces alanine 936 with proline.
Molecular consequence: missense variant.
Genome position (GRCh38, 1-based): chr7:41,966,267, C>G on the plus strand (G>C on the coding strand, the complement: GLI3 is on the minus strand). VCF-style: chr7-41966267-C-G. GRCh37 (hg19) VCF-style: chr7-42005865-C-G.
Other names: short protein forms A936P.
Identifiers: ClinVar variation 4783593 (VCV004783593.1).

ClinVar aggregate classification (germline): Uncertain significance (1 of 4 stars; one submission).

Conditions:
Pallister-Hall syndrome (PHS). Also called: GLI3-Related Pallister-Hall Syndrome; HYPOTHALAMIC HAMARTOBLASTOMA, HYPOPITUITARISM, IMPERFORATE ANUS, AND POSTAXIAL POLYDACTYLY. Identifiers: Orphanet 672, MedGen C0265220, MONDO:0007804, OMIM 146510.
Greig cephalopolysyndactyly syndrome (GCPS). Also called: POLYSYNDACTYLY WITH PECULIAR SKULL SHAPE; Greig syndrome; GLI3-Related Greig Cephalopolysyndactyly Syndrome. Identifiers: Orphanet 380, MedGen C0265306, MONDO:0008287, OMIM 175700.

Submission:

Labcorp Genetics (formerly Invitae), Labcorp
Classification: Uncertain significance for Pallister-Hall syndrome; Greig cephalopolysyndactyly syndrome. Last evaluated: 2025-12-15. Review status: criteria provided, single submitter. Criteria: Invitae Variant Classification Sherloc (09022015). Collection method: clinical testing. Allele origin: germline.
Comment: This sequence change replaces alanine, which is neutral and non-polar, with proline, which is neutral and non-polar, at codon 936 of the GLI3 protein (p.Ala936Pro). This variant is not present in population databases (gnomAD no frequency). This variant has not been reported in the literature in individuals affected with GLI3-related conditions. Invitae Evidence Modeling of protein sequence and biophysical properties (such as structural, functional, and spatial information, amino acid conservation, physicochemical variation, residue mobility, and thermodynamic stability) has been performed for this missense variant. However, the output from this modeling did not meet the statistical confidence thresholds required to predict the impact of this variant on GLI3 protein function. In summary, the available evidence is currently insufficient to determine the role of this variant in disease. Therefore, it has been classified as a Variant of Uncertain Significance.